The following is an entry in ClinVar:

ClinVar aggregate classification (germline): Likely benign (1 of 4 stars; one submission).

Conditions:
Primary dilated cardiomyopathy (DCM). Also called: Dilated Cardiomyopathy. Identifiers: Orphanet 217604, MedGen C0007193, MeSH D002311, MONDO:0005021, HP:0001644. Inheritance: Various modes of inheritance.

Submission:

All of Us Research Program, National Institutes of Health
Classification: Likely benign for Primary dilated cardiomyopathy. Last evaluated: 2024-05-30. Review status: criteria provided, single submitter. Criteria: ACMG Guidelines, 2015. Collection method: clinical testing. Allele origin: germline. Inheritance: Autosomal dominant inheritance. Observed: 1 variant allele, 1 heterozygote.
Comment: This study involves interpretation of variants in research participants for the purpose of population health screening. Participant phenotype was not available at the time of variant classification. Additional details can be found in publication PMID: 35346344, PMCID: PMC8962531

NM_170707.4(LMNA):c.937-6del

Gene: LMNA (lamin A/C; plus strand). Cytogenetic location: 1q22.
Variant type: Deletion.
Coding change: c.937-6del on transcript NM_170707.4 (MANE Select); 6 bases into the intron before coding-DNA position 937, one base deleted (C; older notation c.937-6delC).
Molecular consequence: intron variant. On other transcripts: frameshift variant (4).
Genome position (GRCh38, 1-based): chr1:156,135,895, C deleted; the last of 6 consecutive C bases (chr1:156,135,890-156,135,895); deleting any one gives the same sequence. VCF-style (leftmost placement, unchanged base first): chr1-156135889-AC-A. GRCh37 (hg19) VCF-style: chr1-156105680-AC-A.
Other names: c.307del, p.Leu103fs (NM_001406994.1, NM_001406999.1, NM_001407000.1 and 1 more transcripts); c.937-6del (NM_001406983.1, NM_001282625.2, NM_001406984.1 and 6 more transcripts); c.379-6del (NM_001407002.1, NM_001406993.1, NM_001407003.1 and 4 more transcripts); c.694-6del (NM_001406986.1, NM_001406987.1, NM_001282624.2); c.601-6del (NM_001406989.1, NM_001257374.3, NM_001406998.1); c.640-6del (NM_001406988.1); short protein forms L103fs.
Identifiers: ClinVar variation 3387008 (VCV003387008.1).